The following is an entry in ClinVar:

ClinVar aggregate classification (germline): Uncertain significance (1 of 4 stars; one submission).

Conditions:
Androgen resistance syndrome (AIS). Also called: ANDROGEN RECEPTOR DEFICIENCY; DIHYDROTESTOSTERONE RECEPTOR DEFICIENCY; TESTICULAR FEMINIZATION SYNDROME; Androgen insensitivity syndrome; Androgen insensitivity, complete; DHTR DEFICIENCY. Identifiers: Orphanet 754, Orphanet 99429, MedGen C0039585, MONDO:0019154, OMIM 300068. Disease mechanism: loss of function.
Kennedy disease (SMAX1). Also called: KENNEDY SPINAL AND BULBAR MUSCULAR ATROPHY; Spinal and Bulbar Muscular Atrophy; SPINAL AND BULBAR MUSCULAR ATROPHY, X-LINKED 1. Identifiers: Orphanet 481, MedGen C1839259, MONDO:0010735, OMIM 313200.

Submission:

Labcorp Genetics (formerly Invitae), Labcorp
Classification: Uncertain significance for Kennedy disease; Androgen resistance syndrome. Last evaluated: 2020-11-06. Review status: criteria provided, single submitter. Criteria: Invitae Variant Classification Sherloc (09022015). Collection method: clinical testing. Allele origin: germline.
Comment: This sequence change replaces glutamic acid with valine at codon 773 of the AR protein (p.Glu773Val). The glutamic acid residue is moderately conserved and there is a moderate physicochemical difference between glutamic acid and valine. This variant is not present in population databases (ExAC no frequency). This variant has not been reported in the literature in individuals with AR-related conditions. Algorithms developed to predict the effect of missense changes on protein structure and function are either unavailable or do not agree on the potential impact of this missense change (SIFT: "Deleterious"; PolyPhen-2: "Probably Damaging"; Align-GVGD: "Class C0"). This variant disrupts the p.Gly773 amino acid residue in AR. Other variant(s) that disrupt this residue have been observed in individuals with AR-related conditions (PMID: 10022458, 9196614), which suggests that this may be a clinically significant amino acid residue. In summary, the available evidence is currently insufficient to determine the role of this variant in disease. Therefore, it has been classified as a Variant of Uncertain Significance.

Literature cited by the submitters: PubMed 10022458; PubMed 9196614.

NM_000044.6(AR):c.2318A>T (p.Glu773Val)

Gene: AR (androgen receptor; plus strand). Cytogenetic location: Xq12.
Variant type: single nucleotide variant.
Coding change: c.2318A>T on transcript NM_000044.6 (MANE Select); coding-DNA position 2318, A replaced by T.
Protein change: p.Glu773Val; replaces glutamic acid 773 with valine.
Molecular consequence: missense variant.
Genome position (GRCh38, 1-based): chrX:67,717,622, A>T. VCF-style: chrX-67717622-A-T. GRCh37 (hg19) VCF-style: chrX-66937464-A-T.
Other names: c.722A>T, p.Glu241Val (NM_001011645.3); short protein forms E241V, E773V.
Identifiers: ClinVar variation 1020251 (VCV001020251.8), dbSNP rs2076119092, ClinGen allele CA413424809.